The following is an entry in ClinVar:

ClinVar aggregate classification (germline): Benign. Review status: criteria provided, multiple submitters, no conflicts (2 of 4 stars). 2 submissions from 2 submitters: Benign (2). Last evaluated 2018-01-13.

Conditions:
Methylmalonic aciduria, cblB type (MACB). Also called: Vitamin B12-responsive methylmalonic acidemia type cblB; METHYLMALONIC ACIDURIA, VITAMIN B12-RESPONSIVE, DUE TO DEFECT IN SYNTHESIS OF ADENOSYLCOBALAMIN, cblB TYPE; Methylmalonic acidemia cblB type. Identifiers: Orphanet 28, Orphanet 79311, MedGen C1855102, MONDO:0009614, OMIM 251110.

Allele frequency attached by ClinVar (database versions not stated): gnomAD 0.06159 and 0.06277; gnomAD exomes 0.07065 and 0.05871; ExAC 0.05332; TOPMed 0.05041.
gnomAD v4.1: 27,410 of 402,764 alleles (6.8%); highest among the groups gnomAD compares: Middle Eastern, 11%; 1,794 homozygotes.

Submissions (2):

Illumina Laboratory Services, Illumina
Classification: Benign for Methylmalonic aciduria, cblB type. Last evaluated: 2018-01-13. Review status: criteria provided, single submitter. Criteria: ICSL Variant Classification Criteria 13 December 2019. Collection method: clinical testing. Allele origin: germline.
Comment: This variant was observed in the ICSL laboratory as part of a predisposition screen in an ostensibly healthy population. It had not been previously curated by ICSL or reported in the Human Gene Mutation Database (HGMD: prior to June 1st, 2018), and was therefore a candidate for classification through an automated scoring system. Utilizing variant allele frequency, disease prevalence and penetrance estimates, and inheritance mode, an automated score was calculated to assess if this variant is too frequent to cause the disease. Based on the score and internal cut-off values, a variant classified as benign is not then subjected to further curation. The score for this variant resulted in a classification of benign for this disease.

Breakthrough Genomics
Classification: Benign. Review status: criteria provided, single submitter. Criteria: ACMG Guidelines, 2015. Collection method: not provided. Allele origin: germline. Inheritance: Autosomal recessive inheritance. Affected: yes.

NM_052845.4(MMAB):c.*1729A>C

Gene: MMAB (metabolism of cobalamin associated B; minus strand). Cytogenetic location: 12q24.11.
Variant type: single nucleotide variant.
Coding change: c.*1729A>C on transcript NM_052845.4 (MANE Select); 1729 bases downstream of the stop codon, A replaced by C.
Molecular consequence: 3 prime UTR variant. On other transcripts: non-coding transcript variant (1).
Genome position (GRCh38, 1-based): chr12:109,555,299, T>G on the plus strand (A>C on the coding strand, the complement: MMAB is on the minus strand). VCF-style: chr12-109555299-T-G. GRCh37 (hg19) VCF-style: chr12-109993104-T-G.
Identifiers: ClinVar variation 307026 (VCV000307026.6), dbSNP rs559163901, ClinGen allele CA6778603.